The following is an entry in ClinVar:

NM_000051.4(ATM):c.649A>T (p.Ile217Phe)

Gene: ATM (ATM serine/threonine kinase; plus strand). Cytogenetic location: 11q22.3.
Variant type: single nucleotide variant.
Coding change: c.649A>T on transcript NM_000051.4 (MANE Select); coding-DNA position 649, A replaced by T.
Protein change: p.Ile217Phe; replaces isoleucine 217 with phenylalanine.
Molecular consequence: missense variant.
Genome position (GRCh38, 1-based): chr11:108,244,105, A>T. VCF-style: chr11-108244105-A-T. GRCh37 (hg19) VCF-style: chr11-108114832-A-T.
Other names: c.649A>T, p.Ile217Phe (NM_001351834.2); short protein forms I217F.
Identifiers: ClinVar variation 236753 (VCV000236753.8), dbSNP rs547045780, ClinGen allele CA6264640.

ClinVar aggregate classification (germline): Uncertain significance (1 of 4 stars; one submission).

Conditions:
Ataxia-telangiectasia syndrome (AT). Also called: Ataxia telangiectasia (A-T); LOUIS-BAR SYNDROME; Cerebello-oculocutaneous telangiectasia; Immunodeficiency with ataxia telangiectasia; ATAXIA-TELANGIECTASIA, COMPLEMENTATION GROUP A; ATAXIA-TELANGIECTASIA, FRESNO VARIANT. Identifiers: Orphanet 100, MedGen C0004135, MONDO:0008840, OMIM 208900.

Allele frequency attached by ClinVar (database versions not stated): TOPMed 0.00001.

Submission:

Labcorp Genetics (formerly Invitae), Labcorp
Classification: Uncertain significance for Ataxia-telangiectasia syndrome. Last evaluated: 2022-09-27. Review status: criteria provided, single submitter. Criteria: Invitae Variant Classification Sherloc (09022015). Collection method: clinical testing. Allele origin: germline.
Comment: This variant is not present in population databases (gnomAD no frequency). This variant has not been reported in the literature in individuals affected with ATM-related conditions. ClinVar contains an entry for this variant (Variation ID: 236753). Algorithms developed to predict the effect of missense changes on protein structure and function (SIFT, PolyPhen-2, Align-GVGD) all suggest that this variant is likely to be tolerated. This sequence change replaces isoleucine, which is neutral and non-polar, with phenylalanine, which is neutral and non-polar, at codon 217 of the ATM protein (p.Ile217Phe). In summary, the available evidence is currently insufficient to determine the role of this variant in disease. Therefore, it has been classified as a Variant of Uncertain Significance.